The following is an entry in ClinVar:

NM_019842.4(KCNQ5):c.587G>A (p.Arg196Lys)

Gene: KCNQ5 (potassium voltage-gated channel subfamily Q member 5; plus strand). Cytogenetic location: 6q13.
Variant type: single nucleotide variant.
Coding change: c.587G>A on transcript NM_019842.4 (MANE Select); coding-DNA position 587, G replaced by A.
Protein change: p.Arg196Lys; replaces arginine 196 with lysine.
Molecular consequence: missense variant.
Genome position (GRCh38, 1-based): chr6:73,042,033, G>A. VCF-style: chr6-73042033-G-A. GRCh37 (hg19) VCF-style: chr6-73751756-G-A.
Other names: c.587G>A, p.Arg196Lys (NM_001160130.2, NM_001160132.2, NM_001160133.2 and 1 more transcripts); c.587G>A (NM_001160133.1); short protein forms R196K.
Identifiers: ClinVar variation 1475451 (VCV001475451.9), dbSNP rs766233639, ClinGen allele CA3886778.

ClinVar aggregate classification (germline): Uncertain significance. Review status: criteria provided, multiple submitters, no conflicts (2 of 4 stars). 2 submissions from 2 submitters: Uncertain significance (2). Last evaluated 2024-06-11.

Conditions:
Inborn genetic diseases. Identifiers: MedGen C0950123, MeSH D030342.

Allele frequency attached by ClinVar (database versions not stated): gnomAD exomes below 0.00001; ExAC 0.00001.

Submissions (2):

Ambry Genetics
Classification: Uncertain significance for Inborn genetic diseases. Last evaluated: 2024-06-11. Review status: criteria provided, single submitter. Criteria: Ambry Variant Classification Scheme 2023. Collection method: clinical testing. Allele origin: germline.

Labcorp Genetics (formerly Invitae), Labcorp
Classification: Uncertain significance. Last evaluated: 2022-05-31. Review status: criteria provided, single submitter. Criteria: Invitae Variant Classification Sherloc (09022015). Collection method: clinical testing. Allele origin: germline.
Comment: Algorithms developed to predict the effect of sequence changes on RNA splicing suggest that this variant may disrupt the consensus splice site. This sequence change replaces arginine, which is basic and polar, with lysine, which is basic and polar, at codon 196 of the KCNQ5 protein (p.Arg196Lys). This variant is present in population databases (rs766233639, gnomAD 0.006%). This variant has not been reported in the literature in individuals affected with KCNQ5-related conditions. ClinVar contains an entry for this variant (Variation ID: 1475451). Algorithms developed to predict the effect of missense changes on protein structure and function are either unavailable or do not agree on the potential impact of this missense change (SIFT: "Tolerated"; PolyPhen-2: "Possibly Damaging"; Align-GVGD: "Class C0"). In summary, the available evidence is currently insufficient to determine the role of this variant in disease. Therefore, it has been classified as a Variant of Uncertain Significance.